The following is an entry in ClinVar:

ClinVar aggregate classification (germline): Pathogenic (1 of 4 stars; one submission).

Conditions:
Hereditary cancer-predisposing syndrome. Also called: Neoplastic Syndromes, Hereditary; Tumor predisposition; Hereditary Cancer Syndrome; Hereditary neoplastic syndrome. Identifiers: Orphanet 140162, MedGen C0027672, MeSH D009386, MONDO:0015356.

gnomAD v4.1: 1 of 1,614,178 alleles (0.000062%); highest among the groups gnomAD compares: African/African-American, 0.0013%; no homozygotes.

Submission:

Ambry Genetics
Classification: Pathogenic for Hereditary cancer-predisposing syndrome. Last evaluated: 2018-08-23. Review status: criteria provided, single submitter. Criteria: Ambry Variant Classification Scheme 2023. Collection method: clinical testing. Allele origin: germline.
Comment: The p.K567* pathogenic mutation (also known as c.1699A>T), located in coding exon 4 of the MSH6 gene, results from an A to T substitution at nucleotide position 1699. This changes the amino acid from a lysine to a stop codon within coding exon 4. This alteration is expected to result in loss of function by premature protein truncation or nonsense-mediated mRNA decay. As such, this alteration is interpreted as a disease-causing mutation.

NM_000179.3(MSH6):c.1699A>T (p.Lys567Ter)

Gene: MSH6 (mutS homolog 6; plus strand). Cytogenetic location: 2p16.3.
Variant type: single nucleotide variant.
Coding change: c.1699A>T on transcript NM_000179.3 (MANE Select); coding-DNA position 1699, A replaced by T.
Protein change: p.Lys567Ter; replaces lysine 567 with a stop codon.
Molecular consequence: nonsense.
Genome position (GRCh38, 1-based): chr2:47,799,682, A>T. VCF-style: chr2-47799682-A-T. GRCh37 (hg19) VCF-style: chr2-48026821-A-T.
Other names: c.1309A>T, p.Lys437Ter (NM_001281492.2); c.793A>T, p.Lys265Ter (NM_001281493.2, NM_001281494.2, NM_001406811.1 and 6 more transcripts); c.1795A>T, p.Lys599Ter (NM_001406795.1, NM_001406802.1); c.1699A>T, p.Lys567Ter (NM_001406796.1, NM_001406798.1, NM_001406800.1 and 3 more transcripts); c.1402A>T, p.Lys468Ter (NM_001406797.1, NM_001406801.1, NM_001406805.1 and 10 more transcripts); c.1174A>T, p.Lys392Ter (NM_001406799.1, NM_001406806.1, NM_001406807.1); c.1621A>T, p.Lys541Ter (NM_001406804.1); c.1705A>T, p.Lys569Ter (NM_001406813.1); and 1 more; short protein forms K468*, K541*, K567*, K569*, K599*, K265*, K392*, K437*.
Identifiers: ClinVar variation 1778287 (VCV001778287.2), dbSNP rs1669363053, ClinGen allele CA346747560.
Genomic context (GRCh38, chr2:47,799,682, plus strand): 5'-GAAGATTCTTCTGGCCATACTCGTGCATATGGTGTGTGCTTTGTTGATACTTCACTGGGA[A>T]AGTTTTTCATAGGTCAGTTTTCAGATGATCGCCATTGTTCGAGATTTAGGACTCTAGTGG-3'